The following is an entry in ClinVar:

ClinVar aggregate classification (germline): Uncertain significance. Review status: criteria provided, multiple submitters, no conflicts (2 of 4 stars). 6 submissions from 6 submitters: Uncertain significance (6). Last evaluated 2025-04-02.

Conditions:
Cardiovascular phenotype. Identifiers: MedGen CN230736.
Tibial muscular dystrophy (TMD). Also called: Tibial muscular dystrophy, tardive; UDD MYOPATHY; Udd Distal Myopathy – Tibial Muscular Dystrophy. Identifiers: Orphanet 609, MedGen C1838244, MONDO:0010870, OMIM 600334.
Hypertrophic cardiomyopathy 9. Also called: Familial hypertrophic cardiomyopathy 9. Identifiers: MedGen C1861065, MONDO:0013412, OMIM 613765.
Myopathy, myofibrillar, 9, with early respiratory failure (MFM9). Also called: Hereditary myopathy with early respiratory failure; EDSTROM MYOPATHY; MYOPATHY, PROXIMAL, WITH EARLY RESPIRATORY MUSCLE INVOLVEMENT; Myopathy, distal, with early respiratory failure, autosomal dominant. Identifiers: Orphanet 178464, Orphanet 34521, MedGen C1863599, MONDO:0011362, OMIM 603689.
Autosomal recessive limb-girdle muscular dystrophy type 2J (LGMDR10). Also called: Limb-girdle muscular dystrophy, type 2J; MUSCULAR DYSTROPHY, LIMB-GIRDLE, AUTOSOMAL RECESSIVE 10. Identifiers: Orphanet 140922, MedGen C1837342, MONDO:0012127, OMIM 608807.
Early-onset myopathy with fatal cardiomyopathy (CMYO5). Also called: Salih Myopathy; CONGENITAL MYOPATHY 5 WITH CARDIOMYOPATHY. Identifiers: Orphanet 289377, MedGen C2673677, MONDO:0012714, OMIM 611705. Disease mechanism: loss of function.
Dilated cardiomyopathy 1G (CMD1G). Identifiers: Orphanet 154, MedGen C1858763, MONDO:0011400, OMIM 604145.

Submissions (6):

Ambry Genetics
Classification: Uncertain significance for Cardiovascular phenotype. Last evaluated: 2025-04-02. Review status: criteria provided, single submitter. Criteria: Ambry Variant Classification Scheme 2023. Collection method: clinical testing. Allele origin: germline.
Comment: The c.36077_36103dup27 variant (also known as p.D12026_Y12034dup), located in coding exon 132 of the TTN gene, results from an in-frame duplication of 27 nucleotides at nucleotide positions 36077 to 36103. This results in the duplication of 9 extra residues (DGGAPIIGY) between codons 12026 and 12034. This amino acid region is well conserved in available vertebrate species. In addition, this alteration is predicted to be deleterious by in silico analysis (Choi Y et al. PLoS ONE. 2012; 7(10):e46688). Since supporting evidence is limited at this time, the clinical significance of this alteration remains unclear.

Women's Health and Genetics/Laboratory Corporation of America, LabCorp
Classification: Uncertain significance. Last evaluated: 2023-12-11. Review status: criteria provided, single submitter. Criteria: LabCorp Variant Classification Summary - May 2015. Collection method: clinical testing. Allele origin: germline.
Comment: Variant summary: TTN c.55568_55594dup27 (p.Asp18523_Tyr18531dup) results in an in-frame duplication that is predicted to duplicate 9 amino acids into the encoded protein. The variant allele was found at a frequency of 1.2e-05 in 248092 control chromosomes (gnomAD). The available data on variant occurrences in the general population are insufficient to allow any conclusion about variant significance. To our knowledge, no occurrence of c.55568_55594dup27 in individuals affected with Dilated Cardiomyopathy and no experimental evidence demonstrating its impact on protein function have been reported. Five submitters have cited clinical-significance assessments for this variant to ClinVar after 2014. All submitters classified the variant as uncertain significance. Based on the evidence outlined above, the variant was classified as uncertain significance.

Fulgent Genetics
Classification: Uncertain significance for Tibial muscular dystrophy; Myopathy, myofibrillar, 9, with early respiratory failure; Dilated cardiomyopathy 1G; Autosomal recessive limb-girdle muscular dystrophy type 2J; Early-onset myopathy with fatal cardiomyopathy; Hypertrophic cardiomyopathy 9. Last evaluated: 2021-09-14. Review status: criteria provided, single submitter. Criteria: ACMG Guidelines, 2015. Collection method: clinical testing. Allele origin: unknown.

Revvity Omics, Revvity
Classification: Uncertain significance. Last evaluated: 2019-04-17. Review status: criteria provided, single submitter. Criteria: ACMG Guidelines, 2015. Collection method: clinical testing. Allele origin: germline.

GeneDx
Classification: Uncertain significance. Last evaluated: 2017-07-31. Review status: criteria provided, single submitter. Criteria: GeneDx Variant Classification (06012015). Collection method: clinical testing. Allele origin: germline. Affected: yes.
Comment: A variant of unknown significance has been identified in the TNN gene. The c.55568_55594dup27 variant has not been published as a pathogenic variant, nor has it been reported as a benign variant to our knowledge. The c.55568_55594dup27 variant is not observed in large population cohorts (Lek et al., 2016; 1000 Genomes Consortium et al., 2015; Exome Variant Server). The c.55568_55594dup27 variant results in an in-frame duplication of nine amnio acid residues, denoted p.D18523_Y18531dup. This duplication occurs at a position that is conserved across species. Therefore, based on the currently available information, it is unclear whether this variant is a pathogenic variant or a rare benign variant.

Eurofins Ntd Llc (ga)
Classification: Uncertain significance. Last evaluated: 2016-09-09. Review status: criteria provided, single submitter. Criteria: EGL Classification Definitions. Collection method: clinical testing. Allele origin: germline. Observed: 1 variant allele, 1 heterozygote.

NM_001267550.2(TTN):c.63272_63298dup (p.Asp21091_Tyr21099dup)

Genes: TTN (titin; minus strand), TTN-AS1 (TTN antisense RNA 1; plus strand). Cytogenetic location: 2q31.2.
Variant type: Duplication.
Coding change: c.63272_63298dup on transcript NM_001267550.2 (MANE Select); coding-DNA positions 63272 to 63298, 27 bases duplicated (ATGGTGGTGCACCGATCATTGGATATG).
Protein change: p.Asp21091_Tyr21099dup.
Molecular consequence: inframe insertion.
Genome position (GRCh38, 1-based): chr2:178,588,109-178,588,135, CATATCCAATGATCGGTGCACCACCAT duplicated on the plus strand (ATGGTGGTGCACCGATCATTGGATATG on the coding strand, the reverse complement: TTN is on the minus strand); duplicating any 27 consecutive bases within chr2:178,588,109-178,588,139 gives the same sequence; the c. name uses the placement nearest the transcript's 3' end. VCF-style (leftmost placement, unchanged base first): chr2-178588108-A-ACATATCCAATGATCGGTGCACCACCAT. GRCh37 (hg19) VCF-style: chr2-179452835-A-ACATATCCAATGATCGGTGCACCACCAT.
Other names: c.58349_58375dup, p.Asp19450_Tyr19458dup (NM_001256850.1); c.36077_36103dup, p.Asp12026_Tyr12034dup (NM_003319.4); c.55568_55594dup, p.Asp18523_Tyr18531dup (NM_133378.4); c.36452_36478dup, p.Asp12151_Tyr12159dup (NM_133432.3); c.36653_36679dup, p.Asp12218_Tyr12226dup (NM_133437.4); c.36077_36103dupATGGTGGTGCACCGATCATTGGATATG (NM_003319.4); c.58375_58376insATGGTGGTGCACCGATCATTGGATATG (NM_001256850.1); c.55568_55594dup27 (NM_133378.4).
Identifiers: ClinVar variation 290071 (VCV000290071.13), dbSNP rs750904641, ClinGen allele CA1992110.
Genomic context (GRCh38, chr2:178,588,108, plus strand): 5'-TTACACCGTTTCCAGCCTTCATCAGGAGACGCATCTGCTATTTTTGGTCTCATTTCCACA[A>ACATATCCAATGATCGGTGCACCACCAT]CATATCCAATGATCGGTGCACCACCATCATAGACTGGTTTTCCCCACCCAAGAGTTATGG-3'